The following is an entry in ClinVar:

ClinVar aggregate classification (germline): Likely pathogenic (1 of 4 stars; one submission).

Conditions:
Developmental and epileptic encephalopathy, 1 (DEE1). Also called: X-linked infantile spasms; West's syndrome; Tonic spasms with clustering, arrest of psychomotor development and hypsarrhythmia on EEG; X-Linked Infantile Spasm Syndrome; OHTAHARA SYNDROME, X-LINKED; INFANTILE SPASM SYNDROME, X-LINKED 1. Identifiers: MedGen C3463992, MONDO:0010632, OMIM 308350. Disease mechanism: loss of function.

Submission:

Solve-RD Consortium
Classification: Likely pathogenic for Developmental and epileptic encephalopathy, 1. Review status: criteria provided, single submitter. Criteria: ACMG/ClinGen CNV Guidelines, 2019. Collection method: provider interpretation. Allele origin: germline. Inheritance: Autosomal recessive inheritance. Affected: yes. Study: Solve-RD DIFT-EpiCARE reanalysis.
Comment: 2C

Variant identified during reanalysis of unsolved cases by the Solve-RD project. The Solve-RD project has received funding from the European Union’s Horizon 2020 research and innovation programme under grant agreement No 779257.

NC_000007.14:g.100641025_100645465delinsACCTGGC

Genes: ACTL6B (actin like 6B; minus strand), TFR2 (transferrin receptor 2; minus strand). Cytogenetic location: 7q22.1.
Variant type: Indel.
Genome position: GRCh38: chr7:100,641,025-100,645,465. GRCh37 (hg19): chr7:100,238,648-100,243,088.
Identifiers: ClinVar variation 4974529 (VCV004974529.1).